The following is an entry in ClinVar:

ClinVar aggregate classification (germline): Uncertain significance (1 of 4 stars; one submission).

Conditions:
Hyperaldosteronism, familial, type IV (HALD4). Also called: FH IV; ALDOSTERONISM, PRIMARY, AND HYPERTENSION. Identifiers: Orphanet 642671, MedGen C4310756, MONDO:0014875, OMIM 617027.
Idiopathic generalized epilepsy. Also called: Generalised epilepsy; EIG. Identifiers: MedGen C0270850, MONDO:0005579, OMIM 600669.

Submission:

Labcorp Genetics (formerly Invitae), Labcorp
Classification: Uncertain significance for Idiopathic generalized epilepsy; Hyperaldosteronism, familial, type IV. Last evaluated: 2025-08-20. Review status: criteria provided, single submitter. Criteria: Invitae Variant Classification Sherloc (09022015). Collection method: clinical testing. Allele origin: germline.
Comment: This sequence change replaces alanine, which is neutral and non-polar, with valine, which is neutral and non-polar, at codon 2175 of the CACNA1H protein (p.Ala2175Val). This variant is not present in population databases (gnomAD no frequency). This variant has not been reported in the literature in individuals affected with CACNA1H-related conditions. Invitae Evidence Modeling of protein sequence and biophysical properties (such as structural, functional, and spatial information, amino acid conservation, physicochemical variation, residue mobility, and thermodynamic stability) indicates that this missense variant is not expected to disrupt CACNA1H protein function with a negative predictive value of 80%. In summary, the available evidence is currently insufficient to determine the role of this variant in disease. Therefore, it has been classified as a Variant of Uncertain Significance.

NM_021098.3(CACNA1H):c.6524C>T (p.Ala2175Val)

Gene: CACNA1H (calcium voltage-gated channel subunit alpha1 H; plus strand). Cytogenetic location: 16p13.3.
Variant type: single nucleotide variant.
Coding change: c.6524C>T on transcript NM_021098.3 (MANE Select); coding-DNA position 6524, C replaced by T.
Protein change: p.Ala2175Val; replaces alanine 2175 with valine.
Molecular consequence: missense variant.
Genome position (GRCh38, 1-based): chr16:1,220,456, C>T. VCF-style: chr16-1220456-C-T. GRCh37 (hg19) VCF-style: chr16-1270456-C-T.
Other names: c.6506C>T, p.Ala2169Val (NM_001005407.2); short protein forms A2169V, A2175V.
Identifiers: ClinVar variation 4790011 (VCV004790011.1).